The following is an entry in ClinVar:

NM_173477.5(USH1G):c.704A>G (p.Glu235Gly)

Gene: USH1G (USH1 protein network component sans; minus strand). Cytogenetic location: 17q25.1.
Variant type: single nucleotide variant.
Coding change: c.704A>G on transcript NM_173477.5 (MANE Select); coding-DNA position 704, A replaced by G.
Protein change: p.Glu235Gly; replaces glutamic acid 235 with glycine.
Molecular consequence: missense variant.
Genome position (GRCh38, 1-based): chr17:74,920,132, T>C on the plus strand (A>G on the coding strand, the complement: USH1G is on the minus strand). VCF-style: chr17-74920132-T-C. GRCh37 (hg19) VCF-style: chr17-72916227-T-C.
Other names: c.395A>G, p.Glu132Gly (NM_001282489.3); short protein forms E132G, E235G.
Identifiers: ClinVar variation 1395213 (VCV001395213.6), dbSNP rs2144754059, ClinGen allele CA400963779.

ClinVar aggregate classification (germline): Uncertain significance (1 of 4 stars; one submission).

Allele frequency attached by ClinVar (database versions not stated): gnomAD exomes below 0.00001.
gnomAD v4.1: 2 of 1,602,692 alleles (0.00012%); highest among the groups gnomAD compares: Non-Finnish European, 0.00017%; no homozygotes.

Submission:

Labcorp Genetics (formerly Invitae), Labcorp
Classification: Uncertain significance. Last evaluated: 2023-04-05. Review status: criteria provided, single submitter. Criteria: Invitae Variant Classification Sherloc (09022015). Collection method: clinical testing. Allele origin: germline.
Comment: This variant is not present in population databases (gnomAD no frequency). This sequence change replaces glutamic acid, which is acidic and polar, with glycine, which is neutral and non-polar, at codon 235 of the USH1G protein (p.Glu235Gly). This variant has not been reported in the literature in individuals affected with USH1G-related conditions. ClinVar contains an entry for this variant (Variation ID: 1395213). Advanced modeling of protein sequence and biophysical properties (such as structural, functional, and spatial information, amino acid conservation, physicochemical variation, residue mobility, and thermodynamic stability) performed at Invitae indicates that this missense variant is not expected to disrupt USH1G protein function. In summary, the available evidence is currently insufficient to determine the role of this variant in disease. Therefore, it has been classified as a Variant of Uncertain Significance.